The following is an entry in ClinVar:

NM_012281.3(KCND2):c.1278+1G>A

Gene: KCND2 (potassium voltage-gated channel subfamily D member 2; plus strand). Cytogenetic location: 7q31.31.
Variant type: single nucleotide variant.
Coding change: c.1278+1G>A on transcript NM_012281.3 (MANE Select); the canonical splice donor site of the intron after coding-DNA position 1278, G replaced by A.
Molecular consequence: splice donor variant.
Genome position (GRCh38, 1-based): chr7:120,733,066, G>A. VCF-style: chr7-120733066-G-A. GRCh37 (hg19) VCF-style: chr7-120373120-G-A.
Identifiers: ClinVar variation 4975273 (VCV004975273.1).

ClinVar aggregate classification (germline): Uncertain significance (1 of 4 stars; one submission).

Submission:

GeneDx
Classification: Uncertain significance. Last evaluated: 2026-01-22. Review status: criteria provided, single submitter. Criteria: GeneDx Variant Classification Process June 2021. Collection method: clinical testing. Allele origin: germline.
Comment: Canonical splice site variant in a gene or region of a gene for which loss of function is not a well-established mechanism of disease; Not observed at significant frequency in large population cohorts (gnomAD); Has not been previously published as pathogenic or benign to our knowledge